The following is an entry in ClinVar:

ClinVar aggregate classification (germline): Likely benign. Review status: criteria provided, multiple submitters, no conflicts (2 of 4 stars). 3 submissions from 3 submitters: Likely benign (3). Last evaluated 2026-02-02.

Conditions:
Hereditary cancer-predisposing syndrome. Also called: Hereditary Cancer Syndrome; Tumor predisposition; Neoplastic Syndromes, Hereditary; Hereditary neoplastic syndrome. Identifiers: Orphanet 140162, MedGen C0027672, MeSH D009386, MONDO:0015356.
Familial meningioma. Also called: Meningioma, familial, susceptibility to. Identifiers: Orphanet 263662, MedGen C3551915, MONDO:0011789, OMIM 607174.

Allele frequency attached by ClinVar (database versions not stated): ExAC 0.00001; gnomAD exomes 0.00001; gnomAD 0.00002; TOPMed 0.00002.
gnomAD v4.1: 10 of 1,610,378 alleles (0.00062%); highest among the groups gnomAD compares: Non-Finnish European, 0.00085%; no homozygotes.

Submissions (3):

Labcorp Genetics (formerly Invitae), Labcorp
Classification: Likely benign for Familial meningioma. Last evaluated: 2026-02-02. Review status: criteria provided, single submitter. Criteria: Invitae Variant Classification Sherloc (09022015). Collection method: clinical testing. Allele origin: germline.

CeGaT Center for Human Genetics Tuebingen
Classification: Likely benign. Last evaluated: 2023-02-01. Review status: criteria provided, single submitter. Criteria: CeGaT Center For Human Genetics Tuebingen Variant Classification Criteria Version 2. Collection method: clinical testing. Allele origin: germline. Affected: yes. Observed: 1 variant allele.
Comment: SMARCE1: BP4, BP7

Ambry Genetics
Classification: Likely benign for Hereditary cancer-predisposing syndrome. Last evaluated: 2019-08-21. Review status: criteria provided, single submitter. Criteria: Ambry Variant Classification Scheme 2023. Collection method: clinical testing. Allele origin: germline.

NM_003079.5(SMARCE1):c.822C>T (p.Cys274=)

Gene: SMARCE1 (SWI/SNF related BAF chromatin remodeling complex subunit E1; minus strand). Cytogenetic location: 17q21.2.
Variant type: single nucleotide variant.
Coding change: c.822C>T on transcript NM_003079.5 (MANE Select); coding-DNA position 822, C replaced by T.
Protein change: p.Cys274=; no amino-acid change (cysteine 274 retained).
Molecular consequence: synonymous variant.
Genome position (GRCh38, 1-based): chr17:40,630,919, G>A on the plus strand (C>T on the coding strand, the complement: SMARCE1 is on the minus strand). VCF-style: chr17-40630919-G-A. GRCh37 (hg19) VCF-style: chr17-38787171-G-A.
Identifiers: ClinVar variation 532258 (VCV000532258.40), dbSNP rs769584665, ClinGen allele CA8545152.